The following is an entry in ClinVar:

NM_006514.4(SCN10A):c.951-186G>A

Gene: SCN10A (sodium voltage-gated channel alpha subunit 10; minus strand). Cytogenetic location: 3p22.2.
Variant type: single nucleotide variant.
Coding change: c.951-186G>A on transcript NM_006514.4 (MANE Select); 186 bases into the intron before coding-DNA position 951, G replaced by A.
Molecular consequence: intron variant.
Genome position (GRCh38, 1-based): chr3:38,757,345, C>T on the plus strand (G>A on the coding strand, the complement: SCN10A is on the minus strand). VCF-style: chr3-38757345-C-T. GRCh37 (hg19) VCF-style: chr3-38798836-C-T.
Other names: c.951-186G>A (NM_001293307.2, NM_001293306.2).
Identifiers: ClinVar variation 669276 (VCV000669276.1), dbSNP rs6798015, ClinGen allele CA11358198.
Genomic context (GRCh38, chr3:38,757,345, plus strand): 5'-GGATGATCTTGGACACTTGGTCTGTTTAGGTATTGGTTTCTGTTATCCATAAAACGGGGA[C>T]GCTAATACTTTCACGTCAGAATTTCATACACAGGGGAGTGGCCTGGGGAAGGCAGCTGAC-3'

ClinVar aggregate classification (germline): Benign (1 of 4 stars; one submission).

Allele frequency attached by ClinVar (database versions not stated): gnomAD 0.69853 and 0.70024; TOPMed 0.71156; 1000 Genomes Project 0.74141; 1000 Genomes Project 30x 0.74469.
gnomAD v4.1: 106,127 of 152,094 alleles (70%); highest among the groups gnomAD compares: African/African-American, 87%; 37,968 homozygotes.

Submission:

GeneDx
Classification: Benign. Last evaluated: 2018-06-19. Review status: criteria provided, single submitter. Criteria: GeneDx Variant Classification (06012015). Collection method: clinical testing. Allele origin: germline. Affected: yes.
Comment: This variant is considered likely benign or benign based on one or more of the following criteria: it is a conservative change, it occurs at a poorly conserved position in the protein, it is predicted to be benign by multiple in silico algorithms, and/or has population frequency not consistent with disease.